The following is an entry in ClinVar:

NM_019066.5(MAGEL2):c.2060_2085del (p.Gln687fs)

Gene: MAGEL2 (MAGE family member L2; minus strand). Cytogenetic location: 15q11.2.
Variant type: Deletion.
Coding change: c.2060_2085del on transcript NM_019066.5 (MANE Select); coding-DNA positions 2060 to 2085, 26 bases deleted (AGGCACCGCCTGCAGTCTTGCAGGCC).
Protein change: p.Gln687fs; shifts the reading frame from glutamine 687.
Molecular consequence: frameshift variant.
Genome position (GRCh38, 1-based): chr15:23,645,658-23,645,683, GGCCTGCAAGACTGCAGGCGGTGCCT deleted on the plus strand (AGGCACCGCCTGCAGTCTTGCAGGCC on the coding strand, the reverse complement: MAGEL2 is on the minus strand); deleting any 26 consecutive bases within chr15:23,645,658-23,645,684 gives the same sequence; the c. name uses the placement nearest the transcript's 3' end. VCF-style (leftmost placement, unchanged base first): chr15-23645657-GGGCCTGCAAGACTGCAGGCGGTGCCT-G. GRCh37 (hg19) VCF-style: chr15-23890804-GGGCCTGCAAGACTGCAGGCGGTGCCT-G.
Other names: short protein forms Q687fs.
Identifiers: ClinVar variation 817170 (VCV000817170.1), dbSNP rs1595332462, ClinGen allele CA915946488.
Genomic context (GRCh38, chr15:23,645,657, plus strand): 5'-TCATCAATGATTTAGCGGAGCCCAGGGGAAAATTTGCCGCTGCTACCGGGGGTCCGGGCT[GGGCCTGCAAGACTGCAGGCGGTGCCT>G]GCCAGGAAGGCTGGAGCGGCAGTGTGGGCACCTCCGCTTGCGGACCCGATGCCTGGGCCT-3'

ClinVar aggregate classification (germline): Likely pathogenic (1 of 4 stars; one submission).

Submission:

GeneDx
Classification: Likely pathogenic. Last evaluated: 2018-07-29. Review status: criteria provided, single submitter. Criteria: GeneDx Variant Classification (06012015). Collection method: clinical testing. Allele origin: germline. Affected: yes.
Comment: The c.2060_2085del26 variant in the MAGEL2 gene has not been reported previously as a pathogenic variant nor as a benign variant, to our knowledge. The c.2060_2085del26 variant causes a frameshift starting with codon Glutamine 687, changes this amino acid to a Proline residue, and creates a premature Stop codon at position 17 of the new reading frame, denoted p.Gln687ProfsX17. This variant is predicted to cause loss of normal protein function through protein truncation. The c.2060_2085del26 variant is not observed in large population cohorts (Lek et al., 2016). We interpret c.2060_2085del26 as a likely pathogenic variant.